The following is an entry in ClinVar:

ClinVar aggregate classification (germline): Uncertain significance (1 of 4 stars; one submission).

Submission:

Labcorp Genetics (formerly Invitae), Labcorp
Classification: Uncertain significance. Last evaluated: 2022-08-09. Review status: criteria provided, single submitter. Criteria: Invitae Variant Classification Sherloc (09022015). Collection method: clinical testing. Allele origin: germline.
Comment: This sequence change replaces asparagine, which is neutral and polar, with aspartic acid, which is acidic and polar, at codon 240 of the NYX protein (p.Asn240Asp). This variant is not present in population databases (gnomAD no frequency). This variant has not been reported in the literature in individuals affected with NYX-related conditions. ClinVar contains an entry for this variant (Variation ID: 1373111). Algorithms developed to predict the effect of missense changes on protein structure and function are either unavailable or do not agree on the potential impact of this missense change (SIFT: "Deleterious"; PolyPhen-2: "Probably Damaging"; Align-GVGD: "Class C15"). In summary, the available evidence is currently insufficient to determine the role of this variant in disease. Therefore, it has been classified as a Variant of Uncertain Significance.

NM_001378477.3(NYX):c.703A>G (p.Asn235Asp)

Gene: NYX (nyctalopin; plus strand). Cytogenetic location: Xp11.4.
Variant type: single nucleotide variant.
Coding change: c.703A>G on transcript NM_001378477.3 (MANE Select); coding-DNA position 703, A replaced by G.
Protein change: p.Asn235Asp; replaces asparagine 235 with aspartic acid.
Molecular consequence: missense variant.
Genome position (GRCh38, 1-based): chrX:41,474,171, A>G. VCF-style: chrX-41474171-A-G. GRCh37 (hg19) VCF-style: chrX-41333424-A-G.
Other names: c.703A>G, p.Asn235Asp (NM_022567.3); short protein forms N235D.
Identifiers: ClinVar variation 1373111 (VCV001373111.6), dbSNP rs2147025939, ClinGen allele CA412991097.